The following is an entry in ClinVar:

ClinVar aggregate classification (germline): Pathogenic. Review status: criteria provided, multiple submitters, no conflicts (2 of 4 stars). 3 submissions from 3 submitters: Pathogenic (3). Last evaluated 2025-08-25.

Conditions:
Holocarboxylase synthetase deficiency. Also called: MULTIPLE CARBOXYLASE DEFICIENCY, EARLY ONSET. Identifiers: Orphanet 79242, MedGen C0268581, MONDO:0009666, OMIM 253270.

Submissions (3):

Myriad Genetics, Inc.
Classification: Pathogenic for Holocarboxylase synthetase deficiency. Last evaluated: 2025-08-25. Review status: criteria provided, single submitter. Criteria: Myriad Autosomal Dominant, Autosomal Recessive and X-Linked Classification Criteria (2023). Collection method: clinical testing. Allele origin: unknown.
Comment: NM_000411.6(HLCS):c.286delG(V96Lfs*162) is expected to be pathogenic in the context of holocarboxylase synthetase deficiency. This variant is predicted to lead to an abnormal or absent protein product due to the creation of a premature termination codon in HLCS, a gene where loss-of-function variants are known to be pathogenic. Please note: this variant was assessed in the context of healthy population screening.

Baylor Genetics
Classification: Pathogenic for Holocarboxylase synthetase deficiency. Last evaluated: 2023-03-04. Review status: criteria provided, single submitter. Criteria: ACMG Guidelines, 2015. Collection method: clinical testing. Allele origin: unknown.

Labcorp Genetics (formerly Invitae), Labcorp
Classification: Pathogenic for Holocarboxylase synthetase deficiency. Last evaluated: 2022-02-17. Review status: criteria provided, single submitter. Criteria: Invitae Variant Classification Sherloc (09022015). Collection method: clinical testing. Allele origin: germline.
Comment: This sequence change creates a premature translational stop signal (p.Val96Leufs*162) in the HLCS gene. It is expected to result in an absent or disrupted protein product. Loss-of-function variants in HLCS are known to be pathogenic (PMID: 16134170). This variant is not present in population databases (gnomAD no frequency). This premature translational stop signal has been observed in individual(s) with multiple carboxylase deficiency (PMID: 32219826). Algorithms developed to predict the effect of sequence changes on RNA splicing suggest that this variant is not likely to affect RNA splicing. For these reasons, this variant has been classified as Pathogenic.

Literature cited by the submitters: PubMed 16134170 (cited by Labcorp Genetics (formerly Invitae), Labcorp); PubMed 32219826 (cited by Labcorp Genetics (formerly Invitae), Labcorp).

NM_001352514.2(HLCS):c.727del (p.Val243fs)

Gene: HLCS (holocarboxylase synthetase; minus strand). Cytogenetic location: 21q22.13.
Variant type: Deletion.
Coding change: c.727del on transcript NM_001352514.2 (MANE Select); coding-DNA position 727, one base deleted (G; older notation c.727delG).
Protein change: p.Val243fs; shifts the reading frame from valine 243.
Molecular consequence: frameshift variant. On other transcripts: non-coding transcript variant (2).
Genome position (GRCh38, 1-based): chr21:36,937,159, C deleted on the plus strand (G on the coding strand, the reverse complement: HLCS is on the minus strand). VCF-style (leftmost placement, unchanged base first): chr21-36937158-AC-A. GRCh37 (hg19) VCF-style: chr21-38309458-AC-A.
Other names: c.286del, p.Val96fs (NM_000411.8, NM_001242784.3, NM_001242785.2 and 4 more transcripts); short protein forms V243fs, V96fs.
Identifiers: ClinVar variation 1460039 (VCV001460039.8), dbSNP rs2146528200, ClinGen allele CA2573157379.
Genomic context (GRCh38, chr21:36,937,158, plus strand): 5'-GTGCTGTTCTCAAGTTCCAGACACTCGTGGCAACTAGACAGATGGAGGTGATAATGCTCA[AC>A]GGGGCCCCCTCCCCTGTCACTGTCCCCAGCAGGCTCACTCCCAGAGGCACTGCCTCTCCT-3'